The following is an entry in ClinVar:

NM_002382.5(MAX):c.9T>A (p.Asp3Glu)

Genes: MAX (MYC associated transcriptional regulator X; minus strand), LOC130055850 (ATAC-STARR-seq lymphoblastoid silent region 5847; plus strand). Cytogenetic location: 14q23.3.
Variant type: single nucleotide variant.
Coding change: c.9T>A on transcript NM_002382.5 (MANE Select); coding-DNA position 9, T replaced by A.
Protein change: p.Asp3Glu; replaces aspartic acid 3 with glutamic acid.
Molecular consequence: missense variant. On other transcripts: 5 prime UTR variant (2), intron variant (2).
Genome position (GRCh38, 1-based): chr14:65,102,331, A>T on the plus strand (T>A on the coding strand, the complement: MAX is on the minus strand). VCF-style: chr14-65102331-A-T. GRCh37 (hg19) VCF-style: chr14-65569049-A-T.
Other names: c.9T>A, p.Asp3Glu (NM_001271068.2, NM_001271069.2, NM_001407094.1 and 18 more transcripts); c.-266T>A (NM_001320415.2); c.-239T>A (NM_001407107.1); c.-305+178T>A (NM_001407112.1); c.-239+178T>A (NM_001407106.1); short protein forms D3E.
Identifiers: ClinVar variation 4841342 (VCV004841342.1).

ClinVar aggregate classification (germline): Uncertain significance (1 of 4 stars; one submission).

Conditions:
Hereditary cancer-predisposing syndrome. Also called: Neoplastic Syndromes, Hereditary; Tumor predisposition; Hereditary Cancer Syndrome; Hereditary neoplastic syndrome. Identifiers: Orphanet 140162, MedGen C0027672, MeSH D009386, MONDO:0015356.

Submission:

Ambry Genetics
Classification: Uncertain significance for Hereditary cancer-predisposing syndrome. Last evaluated: 2026-01-05. Review status: criteria provided, single submitter. Criteria: Ambry Variant Classification Scheme 2023. Collection method: clinical testing. Allele origin: germline.
Comment: The p.D3E variant (also known as c.9T>A), located in coding exon 1 of the MAX gene, results from a T to A substitution at nucleotide position 9. The aspartic acid at codon 3 is replaced by glutamic acid, an amino acid with highly similar properties. This amino acid position is highly conserved in available vertebrate species. In addition, the in silico prediction for this alteration is inconclusive. Based on the available evidence, the clinical significance of this variant remains unclear.